The following is an entry in ClinVar:

NM_000059.4(BRCA2):c.403C>G (p.Leu135Val)

Gene: BRCA2 (BRCA2 DNA repair associated; plus strand). Cytogenetic location: 13q13.1.
Variant type: single nucleotide variant.
Coding change: c.403C>G on transcript NM_000059.4 (MANE Select); coding-DNA position 403, C replaced by G.
Protein change: p.Leu135Val; replaces leucine 135 with valine.
Molecular consequence: missense variant.
Genome position (GRCh38, 1-based): chr13:32,325,162, C>G. VCF-style: chr13-32325162-C-G. GRCh37 (hg19) VCF-style: chr13-32899299-C-G.
Other names: short protein forms L135V.
Identifiers: ClinVar variation 421317 (VCV000421317.8), dbSNP rs1064795054, ClinGen allele CA16619643.

ClinVar aggregate classification (germline): Uncertain significance. Review status: criteria provided, multiple submitters, no conflicts (2 of 4 stars). 2 submissions from 2 submitters: Uncertain significance (2). Last evaluated 2024-02-17.

Conditions:
Hereditary breast ovarian cancer syndrome. Also called: Hereditary breast and ovarian cancer; Hereditary breast and/or ovarian cancer syndrome; Hereditary breast and ovarian cancer syndrome; Hereditary breast and ovarian cancer syndrome (HBOC); Breast and ovarian cancer; BRCA1- and BRCA2-Associated Hereditary Breast and Ovarian Cancer. Identifiers: Orphanet 145, MedGen C0677776, MeSH D061325, MONDO:0003582. Disease mechanism: loss of function.

Submissions (2):

Labcorp Genetics (formerly Invitae), Labcorp
Classification: Uncertain significance for Hereditary breast ovarian cancer syndrome. Last evaluated: 2024-02-17. Review status: criteria provided, single submitter. Criteria: Invitae Variant Classification Sherloc (09022015). Collection method: clinical testing. Allele origin: germline.
Comment: This sequence change replaces leucine, which is neutral and non-polar, with valine, which is neutral and non-polar, at codon 135 of the BRCA2 protein (p.Leu135Val). This variant is not present in population databases (gnomAD no frequency). This variant has not been reported in the literature in individuals affected with BRCA2-related conditions. ClinVar contains an entry for this variant (Variation ID: 421317). Advanced modeling of protein sequence and biophysical properties (such as structural, functional, and spatial information, amino acid conservation, physicochemical variation, residue mobility, and thermodynamic stability) performed at Invitae indicates that this missense variant is not expected to disrupt BRCA2 protein function with a negative predictive value of 95%. In summary, the available evidence is currently insufficient to determine the role of this variant in disease. Therefore, it has been classified as a Variant of Uncertain Significance.

GeneDx
Classification: Uncertain significance. Last evaluated: 2016-05-31. Review status: criteria provided, single submitter. Criteria: GeneDx Variant Classification (06012015). Collection method: clinical testing. Allele origin: germline. Affected: yes.
Comment: This variant is denoted BRCA2 c.403C>G at the cDNA level, p.Leu135Val (L135V) at the protein level, and results in the change of a Leucine to a Valine (CTA>GTA). Using alternate nomenclature, this variant would be defined as BRCA2 631C>G. This variant has not, to our knowledge, been published in the literature as pathogenic or benign. BRCA2 Leu135Val was not observed in approximately 6,500 individuals of European and African American ancestry in the NHLBI Exome Sequencing Project, suggesting it is not a common benign variant in these populations. Since Leucine and Valine share similar properties, this is considered a conservative amino acid substitution. BRCA2 Leu135Val occurs at a position that is not conserved and is not located in a known functional domain. In silico analyses predict that this variant is unlikely to alter protein structure or function. Based on currently available evidence, it is unclear whether BRCA2 Leu135Val is a pathogenic or benign variant. We consider it to be a variant of uncertain significance.